The following is an entry in ClinVar:

ClinVar aggregate classification (germline): Conflicting classifications of pathogenicity. Review status: criteria provided, conflicting classifications (1 of 4 stars). 9 submissions from 8 submitters: Uncertain significance (1); Benign (3); Likely benign (2). 3 of the submissions do not count toward it. Last evaluated 2026-02-04.

Conditions:
Usher syndrome type 1 (USH1). Also called: RETINITIS PIGMENTOSA AND CONGENITAL DEAFNESS. Identifiers: Orphanet 231169, Orphanet 886, MedGen C1568247, MONDO:0010168, OMIM 276900.
Usher syndrome type 1D (USH1D). Also called: USHER SYNDROME, TYPE ID. Identifiers: Orphanet 231169, Orphanet 886, MedGen C1832845, MONDO:0010984, OMIM 601067.
Autosomal recessive nonsyndromic hearing loss 12. Also called: DEAFNESS, AUTOSOMAL RECESSIVE 12. Identifiers: Orphanet 90636, MedGen C1832394, MONDO:0011067, OMIM 601386.

Allele frequency attached by ClinVar (database versions not stated): gnomAD 0.00009 and 0.00090; TOPMed 0.00022; ESP Exome Variant Server 0.00023; gnomAD exomes 0.00305; ExAC 0.00333; 1000 Genomes Project 0.00479; 1000 Genomes Project 30x 0.00562.
gnomAD v4.1: 2,390 of 1,613,910 alleles (0.15%); highest among the groups gnomAD compares: South Asian, 2.2%; 51 homozygotes.

Submissions (9):

Labcorp Genetics (formerly Invitae), Labcorp
Classification: Benign. Last evaluated: 2026-02-04. Review status: criteria provided, single submitter. Criteria: Invitae Variant Classification Sherloc (09022015). Collection method: clinical testing. Allele origin: germline.

Genome-Nilou Lab
Classification: Likely benign for Usher syndrome type 1D. Last evaluated: 2021-05-18. Review status: criteria provided, single submitter. Criteria: ACMG Guidelines, 2015. Collection method: clinical testing. Allele origin: germline. Affected: no.

GeneDx
Classification: Benign. Last evaluated: 2020-04-13. Review status: criteria provided, single submitter. Criteria: GeneDx Variant Classification Process June 2021. Collection method: clinical testing. Allele origin: germline. Affected: yes.

Illumina Laboratory Services, Illumina
Classification: Uncertain significance for Autosomal recessive nonsyndromic hearing loss 12. Last evaluated: 2018-01-12. Review status: criteria provided, single submitter. Criteria: ICSL Variant Classification Criteria 13 December 2019. Collection method: clinical testing. Allele origin: germline.

Illumina Laboratory Services, Illumina
Classification: Likely benign for Usher syndrome type 1D. Last evaluated: 2018-01-12. Review status: criteria provided, single submitter. Criteria: ICSL Variant Classification Criteria 13 December 2019. Collection method: clinical testing. Allele origin: germline.
Comment: This variant was observed in the ICSL laboratory as part of a predisposition screen in an ostensibly healthy population. It had not been previously curated by ICSL or reported in the Human Gene Mutation Database (HGMD: prior to June 1st, 2018), and was therefore a candidate for classification through an automated scoring system. Utilizing variant allele frequency, disease prevalence and penetrance estimates, and inheritance mode, an automated score was calculated to assess if this variant is too frequent to cause the disease. Based on the score and internal cut-off values, a variant classified as likely benign is not then subjected to further curation. The score for this variant resulted in a classification of likely benign for this disease.

Laboratory for Molecular Medicine, Mass General Brigham Personalized Medicine
Classification: Benign. Last evaluated: 2016-03-03. Review status: criteria provided, single submitter. Criteria: LMM Criteria. Collection method: clinical testing. Allele origin: germline. Observed: 5 variant alleles.
Comment: p.Ala1676Thr in Exon 39 of CDH23: This variant is not expected to have clinical significance because it has been identified in 2.3% (374/16498) of South Asian c hromosomes by the Exome Aggregation Consortium (ExAC .org; dbSNP dbSNP rs56043301).

Natera, Inc.
Classification: Benign for Usher syndrome type 1. Last evaluated: 2019-10-21. Review status: no assertion criteria provided. Collection method: clinical testing. Allele origin: germline. Not counted in ClinVar's aggregate classification.

Clinical Genetics DNA and cytogenetics Diagnostics Lab, Erasmus MC, Erasmus Medical Center
Classification: Benign. Review status: no assertion criteria provided. Collection method: clinical testing. Allele origin: germline. Affected: yes. Study: VKGL Data-share Consensus. Not counted in ClinVar's aggregate classification.

Clinical Genetics, Academic Medical Center
Classification: Benign. Review status: no assertion criteria provided. Collection method: clinical testing. Allele origin: germline. Affected: yes. Study: VKGL Data-share Consensus. Not counted in ClinVar's aggregate classification.

NM_022124.6(CDH23):c.5026G>A (p.Ala1676Thr)

Gene: CDH23 (cadherin related 23; plus strand). Cytogenetic location: 10q22.1.
Variant type: single nucleotide variant.
Coding change: c.5026G>A on transcript NM_022124.6 (MANE Select); coding-DNA position 5026, G replaced by A.
Protein change: p.Ala1676Thr; replaces alanine 1676 with threonine.
Molecular consequence: missense variant.
Genome position (GRCh38, 1-based): chr10:71,777,860, G>A. VCF-style: chr10-71777860-G-A. GRCh37 (hg19) VCF-style: chr10-73537617-G-A.
Other names: short protein forms A1676T.
Identifiers: ClinVar variation 45961 (VCV000045961.25), dbSNP rs56043301, ClinGen allele CA137454.